The following is an entry in ClinVar:

ClinVar aggregate classification (germline): Uncertain significance (1 of 4 stars; one submission).

Submission:

Women's Health and Genetics/Laboratory Corporation of America, LabCorp
Classification: Uncertain significance. Last evaluated: 2023-12-12. Review status: criteria provided, single submitter. Criteria: LabCorp Variant Classification Summary - May 2015. Collection method: clinical testing. Allele origin: germline.
Comment: Variant summary: MESP2 c.837delC (p.Trp280GlyfsX201) causes a frameshift which results in an extension of the protein. The variant was absent in 244482 control chromosomes (gnomAD). To our knowledge, no occurrence of c.837delC in individuals affected with Spondylocostal Dysostosis 2 and no experimental evidence demonstrating its impact on protein function have been reported. No submitters have cited clinical-significance assessments for this variant to ClinVar after 2014. Based on the evidence outlined above, the variant was classified as uncertain significance.

NM_001039958.2(MESP2):c.837del (p.Trp280fs)

Gene: MESP2 (mesoderm posterior bHLH transcription factor 2; plus strand). Cytogenetic location: 15q26.1.
Variant type: Deletion.
Coding change: c.837del on transcript NM_001039958.2 (MANE Select); coding-DNA position 837, one base deleted (C; older notation c.837delC).
Protein change: p.Trp280fs; shifts the reading frame from tryptophan 280.
Molecular consequence: frameshift variant.
Genome position (GRCh38, 1-based): chr15:89,777,194, C deleted; the last of 3 consecutive C bases (chr15:89,777,192-89,777,194); deleting any one gives the same sequence. VCF-style (leftmost placement, unchanged base first): chr15-89777191-TC-T. GRCh37 (hg19) VCF-style: chr15-90320422-TC-T.
Other names: c.837delC (NM_001039958.2); short protein forms W280fs.
Identifiers: ClinVar variation 2691628 (VCV002691628.1), dbSNP rs1968383130, ClinGen allele CA2194781170.